The following is an entry in ClinVar:

NM_031263.4(HNRNPK):c.1191+2T>G

Gene: HNRNPK (heterogeneous nuclear ribonucleoprotein K; minus strand). Cytogenetic location: 9q21.32.
Variant type: single nucleotide variant.
Coding change: c.1191+2T>G on transcript NM_031263.4 (MANE Select); the canonical splice donor site of the intron after coding-DNA position 1191, T replaced by G.
Molecular consequence: splice donor variant.
Genome position (GRCh38, 1-based): chr9:83,970,735, A>C on the plus strand (T>G on the coding strand, the complement: HNRNPK is on the minus strand). VCF-style: chr9-83970735-A-C. GRCh37 (hg19) VCF-style: chr9-86585650-A-C.
Other names: c.1191+2T>G (NM_031262.4, NM_002140.5, NM_001318188.2); c.1119+2T>G (NM_001318186.2, NM_001318187.2).
Identifiers: ClinVar variation 2584625 (VCV002584625.1), dbSNP rs2491956711, ClinGen allele CA373920025.
Genomic context (GRCh38, chr9:83,970,735, plus strand): 5'-ACAGAAAGGAGGAATAATCATAAAAGTGATAAAATGTTCCTGGTAGTATTAAAGATACTT[A>C]CATCTTTGGGAATAGTTACTTGTGTAGTAATAATAGGTCCACCAAGATCACCATATGAGC-3'

ClinVar aggregate classification (germline): Likely pathogenic (1 of 4 stars; one submission).

Conditions:
Au-Kline syndrome. Also called: Neurodevelopmental disorder-craniofacial dysmorphism-cardiac defect-hip dysplasia syndrome due to a point mutation; Okamoto syndrome. Identifiers: Orphanet 2729, Orphanet 453499, Orphanet 453504, MedGen C4225274, MONDO:0014700, OMIM 616580.

Submission:

New York Genome Center
Classification: Likely pathogenic for Au-Kline syndrome. Last evaluated: 2022-11-22. Review status: criteria provided, single submitter. Criteria: NYGC Assertion Criteria 2020. Collection method: clinical testing. Allele origin: de novo. Affected: yes. Observed: 1 heterozygote.
Comment: The c.1191+2T>G variant has not previously been reported in the literature or in public variant repositories (ClinVar) and is absent from population databases (gnomADv2.1.1 and v3.1.2, TOPMed Freeze 8), suggesting it is not a common benign variant in the populations represented in those databases. A different single base substitution (c.1191+2T>C) at the same canonical splice site of the HNRNPK gene was reported as Likely Pathogenic in LOVD v.3.0, however, the disease phenotype and the number of affected individuals with this variant has not been specified. The c.1191+2T>G variant is located in the canonical splice donor site after exon 15 ofthis 17-exon gene and is presumed to affect mRNA splicing (Splice AI = 0.99). Based on available evidence this de novo c.1191+2T>G variant identified in the HNRNPK gene is classified as Likely Pathogenic.